The following is an entry in ClinVar:

ClinVar aggregate classification (germline): Uncertain significance (1 of 4 stars; one submission).

Submission:

Labcorp Genetics (formerly Invitae), Labcorp
Classification: Uncertain significance. Last evaluated: 2022-02-04. Review status: criteria provided, single submitter. Criteria: Invitae Variant Classification Sherloc (09022015). Collection method: clinical testing. Allele origin: germline.
Comment: In summary, the available evidence is currently insufficient to determine the role of this variant in disease. Therefore, it has been classified as a Variant of Uncertain Significance. Algorithms developed to predict the effect of missense changes on protein structure and function are either unavailable or do not agree on the potential impact of this missense change (SIFT: "Deleterious"; PolyPhen-2: "Probably Damaging"; Align-GVGD: "Class C0"). This variant has not been reported in the literature in individuals affected with FRAS1-related conditions. This variant is not present in population databases (gnomAD no frequency). This sequence change replaces glutamic acid, which is acidic and polar, with glutamine, which is neutral and polar, at codon 329 of the FRAS1 protein (p.Glu329Gln).

NM_025074.7(FRAS1):c.985G>C (p.Glu329Gln)

Gene: FRAS1 (Fraser extracellular matrix complex subunit 1; plus strand). Cytogenetic location: 4q21.21.
Variant type: single nucleotide variant.
Coding change: c.985G>C on transcript NM_025074.7 (MANE Select); coding-DNA position 985, G replaced by C.
Protein change: p.Glu329Gln; replaces glutamic acid 329 with glutamine.
Molecular consequence: missense variant.
Genome position (GRCh38, 1-based): chr4:78,278,658, G>C. VCF-style: chr4-78278658-G-C. GRCh37 (hg19) VCF-style: chr4-79199812-G-C.
Other names: c.985G>C, p.Glu329Gln (NM_001166133.2); short protein forms E329Q.
Identifiers: ClinVar variation 2056785 (VCV002056785.4), dbSNP rs1727176496, ClinGen allele CA357365224.
Genomic context (GRCh38, chr4:78,278,658, plus strand): 5'-CCCTGCTACCTGGAGATGTTAATTTGATATGTGCCACTGCAACCCTTATTTCTACAGGAT[G>C]AAGAATTAATTCACTTAGATGGAAAGTGTTGTCCTGAATGCATTTCAAGGAATGGTTATT-3'
Protein context (NP_079350.5, residues 319-339): ECAKVECARD[Glu329Gln]ELIHLDGKCC